The following is an entry in ClinVar:

ClinVar aggregate classification (germline): Likely benign (1 of 4 stars; one submission).

Conditions:
ATP11A-related disorder. Also called: ATP11A-related condition.

gnomAD v4.1: 352 of 1,613,894 alleles (0.022%); highest among the groups gnomAD compares: Non-Finnish European, 0.028%; no homozygotes.

Submission:

PreventionGenetics, part of Exact Sciences
Classification: Likely benign for ATP11A-related condition. Last evaluated: 2026-06-29. Review status: criteria provided, single submitter. Criteria: ACMG Guidelines, 2015. Collection method: clinical testing. Allele origin: germline.
Comment: This variant is classified as likely benign based on ACMG/AMP sequence variant interpretation guidelines (Richards et al. 2015 PMID: 25741868, with internal and published modifications).

NM_015205.3(ATP11A):c.675-5G>A

Gene: ATP11A (ATPase phospholipid transporting 11A; plus strand). Cytogenetic location: 13q34.
Variant type: single nucleotide variant.
Coding change: c.675-5G>A on transcript NM_015205.3 (MANE Select); 5 bases into the intron before coding-DNA position 675, G replaced by A.
Molecular consequence: intron variant.
Genome position (GRCh38, 1-based): chr13:112,819,895, G>A. VCF-style: chr13-112819895-G-A. GRCh37 (hg19) VCF-style: chr13-113474209-G-A.
Other names: c.675-5G>A (NM_001405663.1, NM_001405661.1, NM_032189.4 and 1 more transcripts).
Identifiers: ClinVar variation 4980288 (VCV004980288.1).